The following is an entry in ClinVar:

ClinVar aggregate classification (germline): Uncertain significance (1 of 4 stars; one submission).

Conditions:
Hereditary nonpolyposis colorectal neoplasms. Identifiers: MedGen C0009405, MeSH D003123.

Submission:

Labcorp Genetics (formerly Invitae), Labcorp
Classification: Uncertain significance for Hereditary nonpolyposis colorectal neoplasms. Last evaluated: 2023-07-13. Review status: criteria provided, single submitter. Criteria: Invitae Variant Classification Sherloc (09022015). Collection method: clinical testing. Allele origin: germline.
Comment: This sequence change replaces aspartic acid, which is acidic and polar, with asparagine, which is neutral and polar, at codon 328 of the PMS2 protein (p.Asp328Asn). This variant is not present in population databases (gnomAD no frequency). This variant has not been reported in the literature in individuals affected with PMS2-related conditions. Advanced modeling of protein sequence and biophysical properties (such as structural, functional, and spatial information, amino acid conservation, physicochemical variation, residue mobility, and thermodynamic stability) performed at Invitae indicates that this missense variant is not expected to disrupt PMS2 protein function. In summary, the available evidence is currently insufficient to determine the role of this variant in disease. Therefore, it has been classified as a Variant of Uncertain Significance.

NM_000535.7(PMS2):c.982G>A (p.Asp328Asn)

Gene: PMS2 (PMS1 homolog 2, mismatch repair system component; minus strand). Cytogenetic location: 7p22.1.
Variant type: single nucleotide variant.
Coding change: c.982G>A on transcript NM_000535.7 (MANE Select); coding-DNA position 982, G replaced by A.
Protein change: p.Asp328Asn; replaces aspartic acid 328 with asparagine.
Molecular consequence: missense variant. On other transcripts: non-coding transcript variant (1), intron variant (1).
Genome position (GRCh38, 1-based): chr7:5,991,979, C>T on the plus strand (G>A on the coding strand, the complement: PMS2 is on the minus strand). VCF-style: chr7-5991979-C-T. GRCh37 (hg19) VCF-style: chr7-6031610-C-T.
Other names: c.673G>A, p.Asp225Asn (NM_001406879.1, NM_001406880.1, NM_001406881.1 and 6 more transcripts); c.664G>A, p.Asp222Asn (NM_001406883.1, NM_001406901.1, NM_001406902.1 and 4 more transcripts); c.814G>A, p.Asp272Asn (NM_001406884.1, NM_001406874.1); c.646G>A, p.Asp216Asn (NM_001406885.1); c.616G>A, p.Asp206Asn (NM_001406886.1); c.577G>A, p.Asp193Asn (NM_001406887.1, NM_001406888.1, NM_001406898.1 and 20 more transcripts); c.469G>A, p.Asp157Asn (NM_001406904.1, NM_001406905.1); c.982G>A, p.Asp328Asn (NM_001322006.2, NM_001322014.2, NM_001406870.1 and 2 more transcripts); and 8 more; short protein forms D216N, D262N, D292N, D336N, D71N, D206N, D225N, D157N.
Identifiers: ClinVar variation 2869447 (VCV002869447.3), dbSNP rs2128755043, ClinGen allele CA366743069.